The following is an entry in ClinVar:

ClinVar aggregate classification (germline): Uncertain significance (1 of 4 stars; one submission).

gnomAD v4.1: 9 of 1,613,816 alleles (0.00056%); highest among the groups gnomAD compares: East Asian, 0.02%; no homozygotes.

Submission:

Labcorp Genetics (formerly Invitae), Labcorp
Classification: Uncertain significance. Last evaluated: 2025-07-29. Review status: criteria provided, single submitter. Criteria: Invitae Variant Classification Sherloc (09022015). Collection method: clinical testing. Allele origin: germline.
Comment: This sequence change replaces serine, which is neutral and polar, with alanine, which is neutral and non-polar, at codon 531 of the DNA2 protein (p.Ser531Ala). This variant is present in population databases (no rsID available, gnomAD 0.02%). This variant has not been reported in the literature in individuals affected with DNA2-related conditions. Invitae Evidence Modeling of protein sequence and biophysical properties (such as structural, functional, and spatial information, amino acid conservation, physicochemical variation, residue mobility, and thermodynamic stability) indicates that this missense variant is not expected to disrupt DNA2 protein function with a negative predictive value of 80%. In summary, the available evidence is currently insufficient to determine the role of this variant in disease. Therefore, it has been classified as a Variant of Uncertain Significance.

NM_001080449.3(DNA2):c.1591T>G (p.Ser531Ala)

Gene: DNA2 (DNA replication helicase/nuclease 2; minus strand). Cytogenetic location: 10q21.3.
Variant type: single nucleotide variant.
Coding change: c.1591T>G on transcript NM_001080449.3 (MANE Select); coding-DNA position 1591, T replaced by G.
Protein change: p.Ser531Ala; replaces serine 531 with alanine.
Molecular consequence: missense variant. On other transcripts: non-coding transcript variant (1).
Genome position (GRCh38, 1-based): chr10:68,437,066, A>C on the plus strand (T>G on the coding strand, the complement: DNA2 is on the minus strand). VCF-style: chr10-68437066-A-C. GRCh37 (hg19) VCF-style: chr10-70196823-A-C.
Other names: short protein forms S531A.
Identifiers: ClinVar variation 4698064 (VCV004698064.1).